The following is an entry in ClinVar:

NM_020436.5(SALL4):c.317G>A (p.Ser106Asn)

Gene: SALL4 (spalt like transcription factor 4; minus strand). Cytogenetic location: 20q13.2.
Variant type: single nucleotide variant.
Coding change: c.317G>A on transcript NM_020436.5 (MANE Select); coding-DNA position 317, G replaced by A.
Protein change: p.Ser106Asn; replaces serine 106 with asparagine.
Molecular consequence: missense variant.
Genome position (GRCh38, 1-based): chr20:51,792,166, C>T on the plus strand (G>A on the coding strand, the complement: SALL4 is on the minus strand). VCF-style: chr20-51792166-C-T. GRCh37 (hg19) VCF-style: chr20-50408705-C-T.
Other names: c.317G>A, p.Ser106Asn (NM_001318031.2); short protein forms S106N.
Identifiers: ClinVar variation 2652415 (VCV002652415.24), dbSNP rs150110610, ClinGen allele CA9912488.

ClinVar aggregate classification (germline): Likely benign (1 of 4 stars; one submission).

Allele frequency attached by ClinVar (database versions not stated): gnomAD exomes 0.00004; gnomAD 0.00006; TOPMed 0.00006; ExAC 0.00007; ESP Exome Variant Server 0.00015.

Submission:

CeGaT Center for Human Genetics Tuebingen
Classification: Likely benign. Last evaluated: 2023-10-01. Review status: criteria provided, single submitter. Criteria: CeGaT Center For Human Genetics Tuebingen Variant Classification Criteria Version 2. Collection method: clinical testing. Allele origin: germline. Affected: yes. Observed: 1 variant allele.
Comment: SALL4: BP4